The following is an entry in ClinVar:

ClinVar aggregate classification (germline): Uncertain significance. Review status: criteria provided, multiple submitters, no conflicts (2 of 4 stars). 3 submissions from 3 submitters: Uncertain significance (3). Last evaluated 2024-04-04.

Conditions:
Bethlem myopathy 1A. Also called: Bethlem Muscular Dystrophy; Bethlem myopathy 1; MYOPATHY, BENIGN CONGENITAL, WITH CONTRACTURES. Identifiers: Orphanet 610, MedGen CN029274, MONDO:0024530, OMIM 158810.

Allele frequency attached by ClinVar (database versions not stated): ExAC 0.00001; gnomAD 0.00001; 1000 Genomes Project 30x 0.00016; 1000 Genomes Project 0.00020.
gnomAD v4.1: 32 of 1,614,204 alleles (0.002%); highest among the groups gnomAD compares: Non-Finnish European, 0.0027%; no homozygotes.

Submissions (3):

Labcorp Genetics (formerly Invitae), Labcorp
Classification: Uncertain significance for Bethlem myopathy 1A. Last evaluated: 2024-04-04. Review status: criteria provided, single submitter. Criteria: Invitae Variant Classification Sherloc (09022015). Collection method: clinical testing. Allele origin: germline.
Comment: This sequence change replaces glycine, which is neutral and non-polar, with cysteine, which is neutral and slightly polar, at codon 679 of the COL6A3 protein (p.Gly679Cys). This variant is present in population databases (rs201031137, gnomAD 0.002%). This variant has not been reported in the literature in individuals affected with COL6A3-related conditions. ClinVar contains an entry for this variant (Variation ID: 598488). Advanced modeling of protein sequence and biophysical properties (such as structural, functional, and spatial information, amino acid conservation, physicochemical variation, residue mobility, and thermodynamic stability) has been performed at Invitae for this missense variant, however the output from this modeling did not meet the statistical confidence thresholds required to predict the impact of this variant on COL6A3 protein function. In summary, the available evidence is currently insufficient to determine the role of this variant in disease. Therefore, it has been classified as a Variant of Uncertain Significance.

Revvity Omics, Revvity
Classification: Uncertain significance. Last evaluated: 2019-05-31. Review status: criteria provided, single submitter. Criteria: ACMG Guidelines, 2015. Collection method: clinical testing. Allele origin: germline.

Eurofins Ntd Llc (ga)
Classification: Uncertain significance. Last evaluated: 2018-08-24. Review status: criteria provided, single submitter. Criteria: EGL ClinVar v180209 classification definitions. Collection method: clinical testing. Allele origin: germline. Observed: 1 variant allele, 1 heterozygote.

NM_004369.4(COL6A3):c.2035G>T (p.Gly679Cys)

Gene: COL6A3 (collagen type VI alpha 3 chain; minus strand). Cytogenetic location: 2q37.3.
Variant type: single nucleotide variant.
Coding change: c.2035G>T on transcript NM_004369.4 (MANE Select); coding-DNA position 2035, G replaced by T.
Protein change: p.Gly679Cys; replaces glycine 679 with cysteine.
Molecular consequence: missense variant. On other transcripts: intron variant (1).
Genome position (GRCh38, 1-based): chr2:237,379,098, C>A on the plus strand (G>T on the coding strand, the complement: COL6A3 is on the minus strand). VCF-style: chr2-237379098-C-A. GRCh37 (hg19) VCF-style: chr2-238287741-C-A.
Other names: c.2035G>T (NM_004369.3); c.814G>T, p.Gly272Cys (NM_057164.5); c.1417G>T, p.Gly473Cys (NM_057165.5, NM_057167.4); c.677-1754G>T (NM_057166.5); short protein forms G679C, G272C, G473C.
Identifiers: ClinVar variation 598488 (VCV000598488.10), dbSNP rs201031137, ClinGen allele CA2189492.